The following is an entry in ClinVar:

NM_014883.4(FAM13A):c.843+16335C>A

Gene: FAM13A (family with sequence similarity 13 member A; minus strand). Cytogenetic location: 4q22.1.
Variant type: single nucleotide variant.
Coding change: c.843+16335C>A on transcript NM_014883.4 (MANE Select); 16335 bases into the intron after coding-DNA position 843, C replaced by A.
Molecular consequence: intron variant.
Genome position (GRCh38, 1-based): chr4:88,890,044, G>T on the plus strand (C>A on the coding strand, the complement: FAM13A is on the minus strand). VCF-style: chr4-88890044-G-T. GRCh37 (hg19) VCF-style: chr4-89811195-G-T.
Identifiers: ClinVar variation 1162779 (VCV001162779.4), dbSNP rs2609255, ClinGen allele CA15317967.

ClinVar aggregate classification (germline): Uncertain significance; association. Review status: no assertion criteria provided (0 of 4 stars). 4 submissions from 1 submitter: Uncertain significance (2). Last evaluated 2024-05-13.

Conditions:
Chronic obstructive pulmonary disease. Also called: Chronic pulmonary obstruction. Identifiers: MedGen C0024117, MeSH D029424, MONDO:0005002, OMIM 606963, HP:0006510.
Interstitial lung disease 2 (ILD2). Also called: FIBROCYSTIC PULMONARY DYSPLASIA; FIBROSING ALVEOLITIS, CRYPTOGENIC; Familial idiopathic pulmonary fibrosis. Identifiers: Orphanet 2032, Orphanet 79126, MedGen C5561926, MONDO:0800497, OMIM 178500, MONDO:0800029.
Combined pulmonary fibrosis-emphysema syndrome. Also called: Pulmonary emphysema co-occurrent with fibrosis of lung. Identifiers: Orphanet 300564, MedGen C3872815, MONDO:0017591.
Susceptibility to severe coronavirus disease (COVID-19). Also called: Susceptibility to severe coronavirus disease COVID-19.

Allele frequency attached by ClinVar (database versions not stated): gnomAD 0.72950 and 0.73777; 1000 Genomes Project 30x 0.65553; TOPMed 0.73875; 1000 Genomes Project 0.65196.
gnomAD v4.1: 111,004 of 152,032 alleles (73%); highest among the groups gnomAD compares: Non-Finnish European, 78%; 40,901 homozygotes.

Submissions (4):

Pneumogenomics Laboratory, Instituto Nacional de Enfermedades Respiratorias Ismael Cosio Villegas
Classification: Uncertain significance for Susceptibility to severe coronavirus disease COVID-19. Last evaluated: 2024-05-13. Review status: no assertion criteria provided. Collection method: research. Allele origin: germline. Affected: yes.
Comment: The NC_000004.12:g.88890044G>T (rs2609255) is an intron variant in FAM13A (family with sequence similarity 13 member A), which has been associated with risk of chronic obstructive pulmonary disease and idiopathic pulmonary fibrosis. We evaluated this variant in 923 patients with COVID-19 and we found no association with mortality or severity risk. However, in the post-COVID-19 group, we found that the T allele of rs2609255 was associated with lower diffusing capacity of the lungs for carbon monoxide in patients evaluated one year after discharge due to severe COVID-19. Due to the lack of association of the variant with the studied phenotypes, it was classified as uncertain significance.

Pneumogenomics Laboratory, Instituto Nacional de Enfermedades Respiratorias Ismael Cosio Villegas
Classification: association for Idiopathic Pulmonary Fibrosis. Last evaluated: 2021-05-04. Review status: no assertion criteria provided. Collection method: case-control. Allele origin: germline. Affected: yes.

Pneumogenomics Laboratory, Instituto Nacional de Enfermedades Respiratorias Ismael Cosio Villegas
Classification: association for Chronic obstructive pulmonary disease. Last evaluated: 2021-05-04. Review status: no assertion criteria provided. Collection method: case-control. Allele origin: germline. Affected: yes.

Pneumogenomics Laboratory, Instituto Nacional de Enfermedades Respiratorias Ismael Cosio Villegas
Classification: Uncertain significance for Combined pulmonary fibrosis-emphysema syndrome. Last evaluated: 2021-05-04. Review status: no assertion criteria provided. Collection method: case-control. Allele origin: germline. Affected: yes.